The following is an entry in ClinVar:

NM_052989.3(IFT122):c.1148-1G>C

Gene: IFT122 (intraflagellar transport 122; plus strand). Cytogenetic location: 3q21.3.
Variant type: single nucleotide variant.
Coding change: c.1148-1G>C on transcript NM_052989.3 (MANE Select); the canonical splice acceptor site of the intron before coding-DNA position 1148, G replaced by C.
Molecular consequence: splice acceptor variant.
Genome position (GRCh38, 1-based): chr3:129,478,015, G>C. VCF-style: chr3-129478015-G-C. GRCh37 (hg19) VCF-style: chr3-129196858-G-C.
Other names: c.971-1G>C (NM_001410810.1, NM_018262.4, NM_001410811.1 and 1 more transcripts); c.521-1G>C (NM_001280546.2); c.815-1G>C (NM_052990.3, NM_001410815.1, NM_001410817.1); c.698-1G>C (NM_001280545.2); c.1301-1G>C (NM_052985.4); c.1124-1G>C (NM_001280541.2); c.1148-1G>C (NM_001410808.1, NM_001410809.1).
Identifiers: ClinVar variation 593588 (VCV000593588.11), dbSNP rs755005244, ClinGen allele CA2606097.

ClinVar aggregate classification (germline): Pathogenic/Likely pathogenic. Review status: criteria provided, multiple submitters, no conflicts (2 of 4 stars). 4 submissions from 4 submitters: Pathogenic (1); Likely pathogenic (3). Last evaluated 2024-11-18.

Conditions:
Cranioectodermal dysplasia 1 (CED1). Also called: LEVIN SYNDROME I. Identifiers: Orphanet 1515, MedGen C0432235, MONDO:0021093, OMIM 218330.

Allele frequency attached by ClinVar (database versions not stated): gnomAD exomes 0.00001 and below 0.00001; TOPMed 0.00002; ExAC 0.00002; gnomAD 0.00002.
gnomAD v4.1: 5 of 1,613,484 alleles (0.00031%); highest among the groups gnomAD compares: Admixed American, 0.0083%; no homozygotes.

Submissions (4):

Dasa
Classification: Likely pathogenic for Cranioectodermal dysplasia 1. Last evaluated: 2024-11-18. Review status: criteria provided, single submitter. Criteria: DASA Assertion Criteria. Collection method: clinical testing. Allele origin: germline.
Comment: NM_052989.3(IFT122):c.1148-1G>C affects a canonical splice site and is predicted to disrupt normal RNA splicing. Loss of function is an established disease mechanism for IFT122-associated disorders. Also, this variant is rare in population databases. Based on the currently available evidence, this variant is classified as likely pathogenic.

Labcorp Genetics (formerly Invitae), Labcorp
Classification: Likely pathogenic for Cranioectodermal dysplasia 1. Last evaluated: 2023-02-17. Review status: criteria provided, single submitter. Criteria: Invitae Variant Classification Sherloc (09022015). Collection method: clinical testing. Allele origin: germline.
Comment: This sequence change affects an acceptor splice site in intron 12 of the IFT122 gene. It is expected to disrupt RNA splicing. Variants that disrupt the donor or acceptor splice site typically lead to a loss of protein function (PMID: 16199547), and loss-of-function variants in IFT122 are known to be pathogenic (PMID: 20493458, 23826986, 26792575). This variant is present in population databases (rs755005244, gnomAD 0.009%). This variant has not been reported in the literature in individuals affected with IFT122-related conditions. ClinVar contains an entry for this variant (Variation ID: 593588). Algorithms developed to predict the effect of sequence changes on RNA splicing suggest that this variant may disrupt the consensus splice site. In summary, the currently available evidence indicates that the variant is pathogenic, but additional data are needed to prove that conclusively. Therefore, this variant has been classified as Likely Pathogenic.

Fulgent Genetics
Classification: Likely pathogenic for Cranioectodermal dysplasia 1. Last evaluated: 2021-07-22. Review status: criteria provided, single submitter. Criteria: ACMG Guidelines, 2015. Collection method: clinical testing. Allele origin: unknown.

Eurofins Ntd Llc (ga)
Classification: Pathogenic. Last evaluated: 2017-08-09. Review status: criteria provided, single submitter. Criteria: EGL Classification Definitions 2015. Collection method: clinical testing. Allele origin: germline. Observed: 1 variant allele, 1 heterozygote.

Literature cited by the submitters: PubMed 16199547 (cited by Labcorp Genetics (formerly Invitae), Labcorp); PubMed 20493458 (cited by Labcorp Genetics (formerly Invitae), Labcorp); PubMed 23826986 (cited by Labcorp Genetics (formerly Invitae), Labcorp); PubMed 26792575 (cited by Labcorp Genetics (formerly Invitae), Labcorp).